The following is an entry in ClinVar:

ClinVar aggregate classification (germline): Uncertain significance (1 of 4 stars; one submission).

Submission:

Labcorp Genetics (formerly Invitae), Labcorp
Classification: Uncertain significance. Last evaluated: 2025-07-30. Review status: criteria provided, single submitter. Criteria: Invitae Variant Classification Sherloc (09022015). Collection method: clinical testing. Allele origin: germline.
Comment: This sequence change replaces proline, which is neutral and non-polar, with leucine, which is neutral and non-polar, at codon 1002 of the ZMIZ1 protein (p.Pro1002Leu). This variant is not present in population databases (gnomAD no frequency). This variant has not been reported in the literature in individuals affected with ZMIZ1-related conditions. Invitae Evidence Modeling of protein sequence and biophysical properties (such as structural, functional, and spatial information, amino acid conservation, physicochemical variation, residue mobility, and thermodynamic stability) indicates that this missense variant is not expected to disrupt ZMIZ1 protein function with a negative predictive value of 95%. In summary, the available evidence is currently insufficient to determine the role of this variant in disease. Therefore, it has been classified as a Variant of Uncertain Significance.

NM_020338.4(ZMIZ1):c.3005C>T (p.Pro1002Leu)

Gene: ZMIZ1 (zinc finger MIZ-type containing 1; plus strand). Cytogenetic location: 10q22.3.
Variant type: single nucleotide variant.
Coding change: c.3005C>T on transcript NM_020338.4 (MANE Select); coding-DNA position 3005, C replaced by T.
Protein change: p.Pro1002Leu; replaces proline 1002 with leucine.
Molecular consequence: missense variant.
Genome position (GRCh38, 1-based): chr10:79,311,093, C>T. VCF-style: chr10-79311093-C-T. GRCh37 (hg19) VCF-style: chr10-81070850-C-T.
Other names: short protein forms P1002L.
Identifiers: ClinVar variation 4760674 (VCV004760674.1).